The following is an entry in ClinVar:

NM_004360.5(CDH1):c.753G>A (p.Thr251=)

Gene: CDH1 (cadherin 1; plus strand). Cytogenetic location: 16q22.1.
Variant type: single nucleotide variant.
Coding change: c.753G>A on transcript NM_004360.5 (MANE Select); coding-DNA position 753, G replaced by A.
Protein change: p.Thr251=; no amino-acid change (threonine 251 retained).
Molecular consequence: synonymous variant. On other transcripts: 5 prime UTR variant (2).
Genome position (GRCh38, 1-based): chr16:68,810,262, G>A. VCF-style: chr16-68810262-G-A. GRCh37 (hg19) VCF-style: chr16-68844165-G-A.
Other names: c.753G>A (LRG_301t1); c.753G>A, p.Thr251= (NM_001317184.2); c.-863G>A (NM_001317185.2); c.-1067G>A (NM_001317186.2).
Identifiers: ClinVar variation 380397 (VCV000380397.21), dbSNP rs371996897, ClinGen allele CA8129928.
Genomic context (GRCh38, chr16:68,810,262, plus strand): 5'-CTCTCACGCTGTGTCATCCAACGGGAATGCAGTTGAGGATCCAATGGAGATTTTGATCAC[G>A]GTAACCGATCAGAATGACAACAAGCCCGAATTCACCCAGGAGGTCTTTAAGGGGTCTGTC-3'
Protein context (NP_004351.1, residues 241-261): AVEDPMEILI[Thr251=]VTDQNDNKPE

ClinVar aggregate classification (germline): Benign/Likely benign. Review status: criteria provided, multiple submitters, no conflicts (2 of 4 stars). 7 submissions from 7 submitters: Benign (2); Likely benign (5). Last evaluated 2025-12-14.

Conditions:
Familial cancer of breast. Also called: Hereditary breast cancer; BREAST CANCER, FAMILIAL; hereditary breast carcinoma. Identifiers: Orphanet 227535, MedGen C0346153, MONDO:0016419, OMIM 114480. Disease mechanism: loss of function.
Ovarian cancer. Also called: OVARIAN CANCER, SOMATIC. Identifiers: Orphanet 213500, MedGen C1140680, MONDO:0008170, OMIM 167000.
Hereditary cancer-predisposing syndrome. Also called: Hereditary neoplastic syndrome; Tumor predisposition; Neoplastic Syndromes, Hereditary; Hereditary Cancer Syndrome. Identifiers: Orphanet 140162, MedGen C0027672, MeSH D009386, MONDO:0015356.
Hereditary diffuse gastric adenocarcinoma (HDGC). Also called: DIFFUSE GASTRIC AND LOBULAR BREAST CANCER SYNDROME. Identifiers: Orphanet 26106, MedGen C1708349, MONDO:0007648, OMIM 137215.

Allele frequency attached by ClinVar (database versions not stated): TOPMed 0.00001; gnomAD 0.00003; ExAC 0.00005; ESP Exome Variant Server 0.00008.
gnomAD v4.1: 34 of 1,613,792 alleles (0.0021%); highest among the groups gnomAD compares: East Asian, 0.0089%; no homozygotes.

Submissions (7):

Labcorp Genetics (formerly Invitae), Labcorp
Classification: Likely benign for Hereditary diffuse gastric adenocarcinoma. Last evaluated: 2025-12-14. Review status: criteria provided, single submitter. Criteria: Invitae Variant Classification Sherloc (09022015). Collection method: clinical testing. Allele origin: germline.

Myriad Genetics, Inc.
Classification: Benign for Hereditary diffuse gastric adenocarcinoma. Last evaluated: 2024-09-13. Review status: criteria provided, single submitter. Criteria: Myriad Autosomal Dominant, Autosomal Recessive and X-Linked Classification Criteria (2023). Collection method: clinical testing. Allele origin: unknown.
Comment: This variant is considered benign. This variant is a silent/synonymous amino acid change and it is not expected to impact splicing.

Women's Health and Genetics/Laboratory Corporation of America, LabCorp
Classification: Likely benign. Last evaluated: 2021-11-08. Review status: criteria provided, single submitter. Criteria: LabCorp Variant Classification Summary - May 2015. Collection method: clinical testing. Allele origin: germline.

Department of Pathology and Laboratory Medicine, Sinai Health System
Classification: Likely benign for Familial cancer of breast; Ovarian cancer. Last evaluated: 2020-03-11. Review status: criteria provided, single submitter. Criteria: ACMG Guidelines, 2015. Collection method: clinical testing. Allele origin: germline. Affected: yes.

Color Diagnostics, LLC DBA Color Health
Classification: Likely benign for Hereditary cancer-predisposing syndrome. Last evaluated: 2018-04-26. Review status: criteria provided, single submitter. Criteria: ACMG Guidelines, 2015. Collection method: clinical testing. Allele origin: germline.

Ambry Genetics
Classification: Likely benign for Hereditary cancer-predisposing syndrome. Last evaluated: 2016-06-08. Review status: criteria provided, single submitter. Criteria: Ambry Variant Classification Scheme 2023. Collection method: clinical testing. Allele origin: germline.

GeneDx
Classification: Benign. Last evaluated: 2015-09-14. Review status: criteria provided, single submitter. Criteria: GeneDx Variant Classification (06012015). Collection method: clinical testing. Allele origin: germline. Affected: yes.
Comment: This variant is considered likely benign or benign based on one or more of the following criteria: it is a conservative change, it occurs at a poorly conserved position in the protein, it is predicted to be benign by multiple in silico algorithms, and/or has population frequency not consistent with disease.